The following is an entry in ClinVar:

ClinVar aggregate classification (germline): Benign (1 of 4 stars; one submission).

Submission:

CeGaT Center for Human Genetics Tuebingen
Classification: Benign. Last evaluated: 2024-09-01. Review status: criteria provided, single submitter. Criteria: CeGaT Center For Human Genetics Tuebingen Variant Classification Criteria Version 2. Collection method: clinical testing. Allele origin: germline. Affected: yes. Observed: 1 variant allele.
Comment: KCNQ1OT1: BS1, BS2

NM_000218.3(KCNQ1):c.1394-31769_1394-31768del

Genes: KCNQ1 (potassium voltage-gated channel subfamily Q member 1; plus strand), KCNQ1OT1 (KCNQ1 opposite strand/antisense transcript 1; minus strand). Cytogenetic location: 11p15.5.
Variant type: Deletion.
Coding change: c.1394-31769_1394-31768del on transcript NM_000218.3 (MANE Select); 31769 bases into the intron before coding-DNA position 1394 through 31768 bases into the intron before coding-DNA position 1394, 2 bases deleted (TT; older notation c.1394-31769_1394-31768delTT).
Molecular consequence: intron variant. On other transcripts: non-coding transcript variant (1).
Genome position (GRCh38, 1-based): chr11:2,630,192-2,630,193, TT deleted; deleting any 2 consecutive bases within chr11:2,630,191-2,630,193 gives the same sequence; the c. name uses the placement nearest the transcript's 3' end. VCF-style (leftmost placement, unchanged base first): chr11-2630190-CTT-C. GRCh37 (hg19) VCF-style: chr11-2651420-CTT-C.
Other names: c.1124-31769_1124-31768del (NM_001406837.1); c.1298-31769_1298-31768del (NM_001406836.1); c.854-31769_854-31768del (NM_001406838.1); c.1013-31769_1013-31768del (NM_181798.2).
Identifiers: ClinVar variation 3389344 (VCV003389344.14).